The following is an entry in ClinVar:

ClinVar aggregate classification (germline): Uncertain significance (1 of 4 stars; one submission).

Conditions:
EHHADH-related disorder. Also called: EHHADH-related condition.

Allele frequency attached by ClinVar (database versions not stated): TOPMed 0.00001.

Submission:

PreventionGenetics, part of Exact Sciences
Classification: Uncertain significance for EHHADH-related condition. Last evaluated: 2023-06-22. Review status: criteria provided, single submitter. Criteria: ACMG Guidelines, 2015. Collection method: clinical testing. Allele origin: germline.
Comment: The EHHADH c.1294C>T variant is predicted to result in the amino acid substitution p.His432Tyr. To our knowledge, this variant has not been reported in the literature or in a large population database, indicating this variant is rare. At this time, the clinical significance of this variant is uncertain due to the absence of conclusive functional and genetic evidence.

NM_001966.4(EHHADH):c.1294C>T (p.His432Tyr)

Gene: EHHADH (enoyl-CoA hydratase and 3-hydroxyacyl CoA dehydrogenase; minus strand). Cytogenetic location: 3q27.2.
Variant type: single nucleotide variant.
Coding change: c.1294C>T on transcript NM_001966.4 (MANE Select); coding-DNA position 1294, C replaced by T.
Protein change: p.His432Tyr; replaces histidine 432 with tyrosine.
Molecular consequence: missense variant.
Genome position (GRCh38, 1-based): chr3:185,193,104, G>A on the plus strand (C>T on the coding strand, the complement: EHHADH is on the minus strand). VCF-style: chr3-185193104-G-A. GRCh37 (hg19) VCF-style: chr3-184910892-G-A.
Other names: c.1006C>T, p.His336Tyr (NM_001166415.2); short protein forms H336Y, H432Y.
Identifiers: ClinVar variation 2632327 (VCV002632327.1), dbSNP rs1418491030, ClinGen allele CA355677824.